The following is an entry in ClinVar:

ClinVar aggregate classification (germline): Pathogenic (1 of 4 stars; one submission).

Conditions:
Developmental and epileptic encephalopathy. Identifiers: MedGen C5779964, MONDO:0100620.

Submission:

Plataforma de Genómica Funcional - SJD, Institut De Recerca Sant Joan De Déu
Classification: Pathogenic for Developmental and Epileptic Encephalopathy. Last evaluated: 2024-12-18. Review status: criteria provided, single submitter. Criteria: ACMG Guidelines, 2015. Collection method: clinical testing. Allele origin: de novo. Inheritance: X-linked dominant inheritance. Affected: yes. Observed: 1 variant allele, 1 heterozygote.
Comment: The c.2359G>A variant (NM_007325.5) in GRIA3 is a missense variant predicted to cause an amino acid change substitution of Glutamine by Lysine at position 787 (p.Glu787Lys) in the protein sequence. This variant has been reported in ClinVar (Variation ID: 3024301). (PMID: 35093607). Functional studies were conducted at the Neurogenetics and Molecular Medicine Laboratory and showed low protein levels and disrupted protein function of GRIA3 (PMID: 35093607) (PS3). The missense Z-score in gnomAD v2.1 is 4.23 which is above the threshold set by the ClinGen SVI guidelines. This variant is absent from gnomAD v2.1 (PM2_Supporting). In summary, this variant meets the criteria to be classified as Pathogenic based on the ACMG/AMP criteria applied.

NM_007325.5(GRIA3):c.2359G>A (p.Glu787Lys)

Gene: GRIA3 (glutamate ionotropic receptor AMPA type subunit 3; plus strand). Cytogenetic location: Xq25.
Variant type: single nucleotide variant.
Coding change: c.2359G>A on transcript NM_007325.5 (MANE Select); coding-DNA position 2359, G replaced by A.
Protein change: p.Glu787Lys; replaces glutamic acid 787 with lysine.
Molecular consequence: missense variant. On other transcripts: intron variant (1).
Genome position (GRCh38, 1-based): chrX:123,480,097, G>A. VCF-style: chrX-123480097-G-A. GRCh37 (hg19) VCF-style: chrX-122613948-G-A.
Other names: c.2440-2702G>A (NM_000828.5); short protein forms E787K.
Identifiers: ClinVar variation 3391179 (VCV003391179.3).